The following is an entry in ClinVar:

NM_000180.4(GUCY2D):c.1031C>T (p.Ser344Phe)

Gene: GUCY2D (guanylate cyclase 2D, retinal; plus strand). Cytogenetic location: 17p13.1.
Variant type: single nucleotide variant.
Coding change: c.1031C>T on transcript NM_000180.4 (MANE Select); coding-DNA position 1031, C replaced by T.
Protein change: p.Ser344Phe; replaces serine 344 with phenylalanine.
Molecular consequence: missense variant.
Genome position (GRCh38, 1-based): chr17:8,006,367, C>T. VCF-style: chr17-8006367-C-T. GRCh37 (hg19) VCF-style: chr17-7909685-C-T.
Other names: short protein forms S344F.
Identifiers: ClinVar variation 3523411 (VCV003523411.4).
Genomic context (GRCh38, chr17:8,006,367, plus strand): 5'-CTGGTCTGTCTGTGGGCTGTGACCCCGACCTCTGAGCCCCTACTCTCCTTCTCCAGGTCT[C>T]CCCACTCTTTGGCACCATCTATGACGCGGTCTTCTTGCTGGCAAGGGGCGTGGCAGAAGC-3'
Protein context (NP_000171.1, residues 334-354): LPSDLNLQQV[Ser344Phe]PLFGTIYDAV

ClinVar aggregate classification (germline): Uncertain significance. Review status: criteria provided, multiple submitters, no conflicts (2 of 4 stars). 3 submissions from 3 submitters: Uncertain significance (3). Last evaluated 2024-07-31.

Conditions:
Leber congenital amaurosis 1 (LCA1). Also called: AMAUROSIS CONGENITA OF LEBER I; RETINAL BLINDNESS, CONGENITAL; Congenital absence of the rods and cones; Leber's congenital tapetoretinal degeneration; Leber's congenital tapetoretinal dysplasia. Identifiers: Orphanet 65, MedGen C2931258, MONDO:0008764, OMIM 204000.
Cone-rod dystrophy 6 (CORD6). Also called: RETINAL CONE DYSTROPHY 2; Cone dystrophy progressive. Identifiers: Orphanet 1872, MedGen C1866293, MONDO:0011143, OMIM 601777.
Inborn genetic diseases. Identifiers: MedGen C0950123, MeSH D030342.

gnomAD v4.1: 26 of 1,599,808 alleles (0.0016%); highest among the groups gnomAD compares: Non-Finnish European, 0.0021%; no homozygotes.

Submissions (3):

Ambry Genetics
Classification: Uncertain significance for Inborn genetic diseases. Last evaluated: 2024-07-31. Review status: criteria provided, single submitter. Criteria: Ambry Variant Classification Scheme 2023. Collection method: clinical testing. Allele origin: germline.

Labcorp Genetics (formerly Invitae), Labcorp
Classification: Uncertain significance for Leber congenital amaurosis 1; Cone-rod dystrophy 6. Last evaluated: 2024-04-25. Review status: criteria provided, single submitter. Criteria: Invitae Variant Classification Sherloc (09022015). Collection method: clinical testing. Allele origin: germline.
Comment: This sequence change replaces serine, which is neutral and polar, with phenylalanine, which is neutral and non-polar, at codon 344 of the GUCY2D protein (p.Ser344Phe). The frequency data for this variant in the population databases is considered unreliable, as metrics indicate poor data quality at this position in the gnomAD database. This variant has not been reported in the literature in individuals affected with GUCY2D-related conditions. Advanced modeling of protein sequence and biophysical properties (such as structural, functional, and spatial information, amino acid conservation, physicochemical variation, residue mobility, and thermodynamic stability) performed at Invitae indicates that this missense variant is not expected to disrupt GUCY2D protein function with a negative predictive value of 80%. In summary, the available evidence is currently insufficient to determine the role of this variant in disease. Therefore, it has been classified as a Variant of Uncertain Significance.

Blueprint Genetics
Classification: Uncertain significance. Last evaluated: 2022-05-05. Review status: criteria provided, single submitter. Criteria: ACMG Guidelines, 2015. Collection method: clinical testing. Allele origin: germline.